The following is an entry in ClinVar:

NM_000179.3(MSH6):c.2634T>A (p.Val878=)

Gene: MSH6 (mutS homolog 6; plus strand). Cytogenetic location: 2p16.3.
Variant type: single nucleotide variant.
Coding change: c.2634T>A on transcript NM_000179.3 (MANE Select); coding-DNA position 2634, T replaced by A.
Protein change: p.Val878=; no amino-acid change (valine 878 retained).
Molecular consequence: synonymous variant. On other transcripts: non-coding transcript variant (5), intron variant (3).
Genome position (GRCh38, 1-based): chr2:47,800,617, T>A. VCF-style: chr2-47800617-T-A. GRCh37 (hg19) VCF-style: chr2-48027756-T-A.
Other names: c.2244T>A, p.Val748= (NM_001281492.2); c.1728T>A, p.Val576= (NM_001281493.2, NM_001281494.2, NM_001406811.1 and 6 more transcripts); c.2730T>A, p.Val910= (NM_001406795.1, NM_001406802.1); c.2634T>A, p.Val878= (NM_001406796.1, NM_001406798.1, NM_001406800.1 and 2 more transcripts); c.2337T>A, p.Val779= (NM_001406797.1, NM_001406801.1, NM_001406805.1 and 10 more transcripts); c.2109T>A, p.Val703= (NM_001406799.1, NM_001406806.1, NM_001406807.1); c.2556T>A, p.Val852= (NM_001406804.1); c.2640T>A, p.Val880= (NM_001406813.1); and 4 more.
Identifiers: ClinVar variation 3904314 (VCV003904314.1).
Genomic context (GRCh38, chr2:47,800,617, plus strand): 5'-TCTTTCTGCTCTGGAAGGATTCAAAGTAATGTGTAAAATTATAGGGATCATGGAAGAAGT[T>A]GCTGATGGTTTTAAGTCTAAAATCCTTAAGCAGGTCATCTCTCTGCAGACAAAAAATCCT-3'
Protein context (NP_000170.1, residues 868-888): MCKIIGIMEE[Val878=]ADGFKSKILK

ClinVar aggregate classification (germline): Benign (1 of 4 stars; one submission).

Conditions:
Lynch syndrome 5 (LYNCH5). Also called: Colorectal cancer, hereditary nonpolyposis, type 5; Hereditary non-polyposis colorectal cancer, type 5. Identifiers: Orphanet 144, MedGen C1833477, MONDO:0013710, OMIM 614350. Disease mechanism: loss of function.

Submission:

Myriad Genetics, Inc.
Classification: Benign for Lynch syndrome 5. Last evaluated: 2024-12-31. Review status: criteria provided, single submitter. Criteria: Myriad Autosomal Dominant, Autosomal Recessive and X-Linked Classification Criteria (2023). Collection method: clinical testing. Allele origin: unknown.
Comment: This variant is considered benign. This variant is a silent/synonymous amino acid change and it is not expected to impact splicing.